The following is an entry in ClinVar:

NM_022455.5(NSD1):c.1946T>C (p.Leu649Pro)

Gene: NSD1 (nuclear receptor binding SET domain protein 1; plus strand). Cytogenetic location: 5q35.3.
Variant type: single nucleotide variant.
Coding change: c.1946T>C on transcript NM_022455.5 (MANE Select); coding-DNA position 1946, T replaced by C.
Protein change: p.Leu649Pro; replaces leucine 649 with proline.
Molecular consequence: missense variant.
Genome position (GRCh38, 1-based): chr5:177,210,345, T>C. VCF-style: chr5-177210345-T-C. GRCh37 (hg19) VCF-style: chr5-176637346-T-C.
Other names: c.1073T>C, p.Leu358Pro (NM_001365684.2, NM_001409306.1, NM_001409307.1 and 3 more transcripts); c.1946T>C, p.Leu649Pro (NM_001409301.1, NM_001409302.1, NM_001409303.1); c.1526T>C, p.Leu509Pro (NM_001409304.1); c.1193T>C, p.Leu398Pro (NM_001409305.1); short protein forms L509P, L649P, L398P, L358P.
Identifiers: ClinVar variation 3691384 (VCV003691384.2).

ClinVar aggregate classification (germline): Uncertain significance (1 of 4 stars; one submission).

gnomAD v4.1: 2 of 1,614,160 alleles (0.00012%); highest among the groups gnomAD compares: Non-Finnish European, 0.00017%; no homozygotes.

Submission:

Labcorp Genetics (formerly Invitae), Labcorp
Classification: Uncertain significance. Last evaluated: 2025-04-30. Review status: criteria provided, single submitter. Criteria: Invitae Variant Classification Sherloc (09022015). Collection method: clinical testing. Allele origin: germline.
Comment: This sequence change replaces leucine, which is neutral and non-polar, with proline, which is neutral and non-polar, at codon 649 of the NSD1 protein (p.Leu649Pro). The frequency data for this variant in the population databases is considered unreliable, as metrics indicate poor data quality at this position in the gnomAD database. This variant has not been reported in the literature in individuals affected with NSD1-related conditions. ClinVar contains an entry for this variant (Variation ID: 3691384). Invitae Evidence Modeling of protein sequence and biophysical properties (such as structural, functional, and spatial information, amino acid conservation, physicochemical variation, residue mobility, and thermodynamic stability) has been performed for this missense variant. However, the output from this modeling did not meet the statistical confidence thresholds required to predict the impact of this variant on NSD1 protein function. In summary, the available evidence is currently insufficient to determine the role of this variant in disease. Therefore, it has been classified as a Variant of Uncertain Significance.